The following is an entry in ClinVar:

NM_001080442.3(SLC38A8):c.160G>T (p.Gly54Ter)

Gene: SLC38A8 (solute carrier family 38 member 8; minus strand). Cytogenetic location: 16q23.3.
Variant type: single nucleotide variant.
Coding change: c.160G>T on transcript NM_001080442.3 (MANE Select); coding-DNA position 160, G replaced by T.
Protein change: p.Gly54Ter; replaces glycine 54 with a stop codon.
Molecular consequence: nonsense.
Genome position (GRCh38, 1-based): chr16:84,041,998, C>A on the plus strand (G>T on the coding strand, the complement: SLC38A8 is on the minus strand). VCF-style: chr16-84041998-C-A. GRCh37 (hg19) VCF-style: chr16-84075603-C-A.
Other names: c.160G>T (NM_001080442.2); short protein forms G54*.
Identifiers: ClinVar variation 2985445 (VCV002985445.6), dbSNP rs777138837, ClinGen allele CA8200497.

ClinVar aggregate classification (germline): Pathogenic/Likely pathogenic. Review status: criteria provided, multiple submitters, no conflicts (2 of 4 stars). 4 submissions from 4 submitters: Pathogenic (3); Likely pathogenic (1). Last evaluated 2024-12-12.

Conditions:
SLC38A8-related disorder. Also called: SLC38A8-related condition.
Foveal hypoplasia - optic nerve decussation defect - anterior segment dysgenesis syndrome. Also called: FOVEAL HYPOPLASIA 2 WITH OPTIC NERVE DECUSSATION DEFECTS AND ANTERIOR SEGMENT DYSGENESIS WITHOUT ALBINISM; Foveal hypoplasia 2; FOVEAL HYPOPLASIA 2 WITH OR WITHOUT OPTIC NERVE MISROUTING AND/OR ANTERIOR SEGMENT DYSGENESIS; FOVEAL HYPOPLASIA 2 WITH OR WITHOUT MICROPHTHALMIA OR COLOBOMA. Identifiers: Orphanet 397618, MedGen C3807873, MONDO:0012216, OMIM 609218.

gnomAD v4.1: 13 of 1,609,190 alleles (0.00081%); highest among the groups gnomAD compares: Non-Finnish European, 0.0011%; no homozygotes.

Submissions (4):

Women's Health and Genetics/Laboratory Corporation of America, LabCorp
Classification: Pathogenic for Foveal hypoplasia - optic nerve decussation defect - anterior segment dysgenesis syndrome. Last evaluated: 2024-12-12. Review status: criteria provided, single submitter. Criteria: LabCorp Variant Classification Summary - May 2015. Collection method: clinical testing. Allele origin: germline.
Comment: Variant summary: SLC38A8 c.160G>T (p.Gly54X) results in a premature termination codon, predicted to cause a truncation of the encoded protein or absence of the protein due to nonsense mediated decay, which are commonly known mechanisms for disease. The variant allele was found at a frequency of 4e-06 in 247688 control chromosomes. c.160G>T has been reported in the literature in at least one individual affected with Foveal Hypoplasia, Optic Nerve Decussation Defect, Anterior Segment Dysgenesis Syndrome (e.g. Kruijt_2022). The following publication has been ascertained in the context of this evaluation (PMID: 35029636). ClinVar contains an entry for this variant (Variation ID: 2985445). Based on the evidence outlined above, the variant was classified as pathogenic.

GeneDx
Classification: Pathogenic. Last evaluated: 2024-11-14. Review status: criteria provided, single submitter. Criteria: GeneDx Variant Classification Process June 2021. Collection method: clinical testing. Allele origin: germline. Affected: yes.
Comment: Reported with a second variant, phase unknown, in a patient with infantile nystagmus and foveal hypoplasia in published literature (PMID: 33594928); Nonsense variant predicted to result in protein truncation or nonsense mediated decay in a gene for which loss of function is a known mechanism of disease; Not observed at significant frequency in large population cohorts (gnomAD); This variant is associated with the following publications: (PMID: 35029636, 33594928)

Labcorp Genetics (formerly Invitae), Labcorp
Classification: Pathogenic. Last evaluated: 2023-05-24. Review status: criteria provided, single submitter. Criteria: Invitae Variant Classification Sherloc (09022015). Collection method: clinical testing. Allele origin: germline.
Comment: For these reasons, this variant has been classified as Pathogenic. This premature translational stop signal has been observed in individual(s) with foveal hypoplasia (PMID: 33594928). The frequency data for this variant in the population databases is considered unreliable, as metrics indicate poor data quality at this position in the gnomAD database. This sequence change creates a premature translational stop signal (p.Gly54*) in the SLC38A8 gene. It is expected to result in an absent or disrupted protein product. Loss-of-function variants in SLC38A8 are known to be pathogenic (PMID: 24290379).

Blueprint Genetics
Classification: Likely pathogenic for SLC38A8-related disorders. Last evaluated: 2022-11-07. Review status: criteria provided, single submitter. Criteria: ACMG Guidelines, 2015. Collection method: clinical testing. Allele origin: germline. Affected: yes. Observed: 3 variant alleles.

Literature cited by the submitters: PubMed 35029636 (cited by Women's Health and Genetics/Laboratory Corporation of America, LabCorp); PubMed 33594928 (cited by Labcorp Genetics (formerly Invitae), Labcorp); PubMed 24290379 (cited by Labcorp Genetics (formerly Invitae), Labcorp).